The following is an entry in ClinVar:

ClinVar aggregate classification (germline): Uncertain significance (1 of 4 stars; one submission).

Submission:

Labcorp Genetics (formerly Invitae), Labcorp
Classification: Uncertain significance. Last evaluated: 2025-07-29. Review status: criteria provided, single submitter. Criteria: Invitae Variant Classification Sherloc (09022015). Collection method: clinical testing. Allele origin: germline.
Comment: This sequence change replaces glutamic acid, which is acidic and polar, with lysine, which is basic and polar, at codon 341 of the GHSR protein (p.Glu341Lys). This variant is present in population databases (rs776960115, gnomAD 0.004%). This variant has not been reported in the literature in individuals affected with GHSR-related conditions. ClinVar contains an entry for this variant (Variation ID: 3620941). Invitae Evidence Modeling of protein sequence and biophysical properties (such as structural, functional, and spatial information, amino acid conservation, physicochemical variation, residue mobility, and thermodynamic stability) indicates that this missense variant is not expected to disrupt GHSR protein function with a negative predictive value of 80%. In summary, the available evidence is currently insufficient to determine the role of this variant in disease. Therefore, it has been classified as a Variant of Uncertain Significance.

NM_198407.2(GHSR):c.1021G>A (p.Glu341Lys)

Gene: GHSR (growth hormone secretagogue receptor; minus strand). Cytogenetic location: 3q26.31.
Variant type: single nucleotide variant.
Coding change: c.1021G>A on transcript NM_198407.2 (MANE Select); coding-DNA position 1021, G replaced by A.
Protein change: p.Glu341Lys; replaces glutamic acid 341 with lysine.
Molecular consequence: missense variant.
Genome position (GRCh38, 1-based): chr3:172,445,241, C>T on the plus strand (G>A on the coding strand, the complement: GHSR is on the minus strand). VCF-style: chr3-172445241-C-T. GRCh37 (hg19) VCF-style: chr3-172163031-C-T.
Other names: short protein forms E341K.
Identifiers: ClinVar variation 3620941 (VCV003620941.2).
Genomic context (GRCh38, chr3:172,445,241, plus strand): 5'-CTGTCCAGGCCCGAGAACTTTCATCTTTCAGAGTGGAGAGCTTTCTCTGGGAGAAGGGTT[C>T]GAATCCCAGAAGTCTGAACACTGCCACCCGGTACTTCTTGGACATGATGTTGTACAGAAT-3'
Protein context (NP_940799.1, residues 331-351): RVAVFRLLGF[Glu341Lys]PFSQRKLSTL